The following is an entry in ClinVar:

ClinVar aggregate classification (germline): Uncertain significance (1 of 4 stars; one submission).

Conditions:
Long QT syndrome (LQTS). Identifiers: MedGen C0023976, MeSH D008133, MONDO:0002442. Disease mechanism: loss of function. Inheritance: Various modes of inheritance.

Submission:

Labcorp Genetics (formerly Invitae), Labcorp
Classification: Uncertain significance for Long QT syndrome. Last evaluated: 2020-07-15. Review status: criteria provided, single submitter. Criteria: Invitae Variant Classification Sherloc (09022015). Collection method: clinical testing. Allele origin: germline.
Comment: In summary, the available evidence is currently insufficient to determine the role of this variant in disease. Therefore, it has been classified as a Variant of Uncertain Significance. Algorithms developed to predict the effect of missense changes on protein structure and function (SIFT, PolyPhen-2, Align-GVGD) all suggest that this variant is likely to be tolerated, but these predictions have not been confirmed by published functional studies and their clinical significance is uncertain. This variant has not been reported in the literature in individuals with CACNA1C-related conditions. This variant is not present in population databases (ExAC no frequency). This sequence change replaces alanine with glycine at codon 2093 of the CACNA1C protein (p.Ala2093Gly). The alanine residue is weakly conserved and there is a small physicochemical difference between alanine and glycine.

NM_000719.7(CACNA1C):c.6278C>G (p.Ala2093Gly)

Genes: CACNA1C (calcium voltage-gated channel subunit alpha1 C; plus strand), CACNA1C-AS1 (CACNA1C antisense RNA 1; minus strand). Cytogenetic location: 12p13.33.
Variant type: single nucleotide variant.
Coding change: c.6278C>G on transcript NM_000719.7 (MANE Select); coding-DNA position 6278, C replaced by G.
Protein change: p.Ala2093Gly; replaces alanine 2093 with glycine.
Molecular consequence: missense variant.
Genome position (GRCh38, 1-based): chr12:2,691,060, C>G. VCF-style: chr12-2691060-C-G. GRCh37 (hg19) VCF-style: chr12-2800226-C-G.
Other names: c.6422C>G, p.Ala2141Gly (NM_001129827.2); c.6401C>G, p.Ala2134Gly (NM_001129829.2); c.6383C>G, p.Ala2128Gly (NM_001129830.3, NM_001167624.3); c.6362C>G, p.Ala2121Gly (NM_001129831.2); c.6338C>G, p.Ala2113Gly (NM_001129832.2); c.6335C>G, p.Ala2112Gly (NM_001129833.2, NM_001129834.2, NM_001129835.2); c.6329C>G, p.Ala2110Gly (NM_001129836.2); c.6302C>G, p.Ala2101Gly (NM_001129837.2, NM_001129838.2); and 6 more; short protein forms A2082G, A2090G, A2093G, A2099G, A2101G, A2110G, A2112G, A2113G.
Identifiers: ClinVar variation 998784 (VCV000998784.9), dbSNP rs2097781354, ClinGen allele CA383386865.